The following is an entry in ClinVar:

ClinVar aggregate classification (germline): Uncertain significance. Review status: criteria provided, multiple submitters, no conflicts (2 of 4 stars). 3 submissions from 3 submitters: Uncertain significance (3). Last evaluated 2025-08-28.

Conditions:
Juvenile polyposis syndrome (JPS). Identifiers: Orphanet 2929, MedGen C0345893, MONDO:0017380, OMIM 174900.
Hereditary cancer-predisposing syndrome. Also called: Neoplastic Syndromes, Hereditary; Hereditary neoplastic syndrome; Tumor predisposition; Hereditary Cancer Syndrome. Identifiers: Orphanet 140162, MedGen C0027672, MeSH D009386, MONDO:0015356.

Submissions (3):

Color Diagnostics, LLC DBA Color Health
Classification: Uncertain significance for Hereditary cancer-predisposing syndrome. Last evaluated: 2025-08-28. Review status: criteria provided, single submitter. Criteria: ACMG Guidelines, 2015. Collection method: clinical testing. Allele origin: germline.
Comment: This missense variant replaces arginine with proline at codon 126 of the BMPR1A protein in the extracellular domain. A protein structure study on the co-crystal structure of the BMPR1A extracellular domain bound to BMP-2 positioned p.Arg126 in the ligand binding domain, although p.Arg126 was not directly contacting the ligand (PMID: 10881198). Computational predictions are inconclusive regarding the impact of this variant on protein structure and function. To our knowledge, functional studies have not been reported for this variant nor has this variant been reported in individuals affected with BMPR1A-related disorders in the literature. This variant has been reported in an individual affected with juvenile polyposis syndrome in ClinVar (SCV005969925.1 and external lab communication). This variant has not been identified in the general population by the Genome Aggregation Database (gnomAD). Although there is a suspicion that this variant may be associated with disease, additional functional and clinical studies are necessary to determine the role of this variant in disease conclusively. Therefore, this variant is classified as a Variant of Uncertain Significance.

Ambry Genetics
Classification: Uncertain significance for Hereditary cancer-predisposing syndrome. Last evaluated: 2025-01-30. Review status: criteria provided, single submitter. Criteria: Ambry Variant Classification Scheme 2023. Collection method: clinical testing. Allele origin: germline.
Comment: The p.R126P variant (also known as c.377G>C), located in coding exon 4 of the BMPR1A gene, results from a G to C substitution at nucleotide position 377. The arginine at codon 126 is replaced by proline, an amino acid with dissimilar properties. This variant was reported in individual(s) with features consistent with BMPR1A-related juvenile polyposis syndrome (Ambry internal data). This amino acid position is well conserved in available vertebrate species. In addition, this alteration is predicted to be deleterious by in silico analysis. Based on the available evidence, the clinical significance of this variant remains unclear.

Labcorp Genetics (formerly Invitae), Labcorp
Classification: Uncertain significance for Juvenile polyposis syndrome. Last evaluated: 2017-12-11. Review status: criteria provided, single submitter. Criteria: Invitae Variant Classification Sherloc (09022015). Collection method: clinical testing. Allele origin: germline.
Comment: This variant has not been reported in the literature in individuals with BMPR1A-related disease. In summary, the available evidence is currently insufficient to determine the role of this variant in disease. Therefore, it has been classified as a Variant of Uncertain Significance. Algorithms developed to predict the effect of missense changes on protein structure and function do not agree on the potential impact of this missense change (SIFT: "Tolerated"; PolyPhen-2: "Possibly Damaging"; Align-GVGD: "Class C0"). This variant is not present in population databases (ExAC no frequency). This sequence change replaces arginine with proline at codon 126 of the BMPR1A protein (p.Arg126Pro). The arginine residue is moderately conserved and there is a moderate physicochemical difference between arginine and proline.

Literature cited by the submitters: PubMed 10881198 (cited by Color Diagnostics, LLC DBA Color Health).

NM_004329.3(BMPR1A):c.377G>C (p.Arg126Pro)

Gene: BMPR1A (bone morphogenetic protein receptor type 1A; plus strand). Cytogenetic location: 10q23.2.
Variant type: single nucleotide variant.
Coding change: c.377G>C on transcript NM_004329.3 (MANE Select); coding-DNA position 377, G replaced by C.
Protein change: p.Arg126Pro; replaces arginine 126 with proline.
Molecular consequence: missense variant.
Genome position (GRCh38, 1-based): chr10:86,899,837, G>C. VCF-style: chr10-86899837-G-C. GRCh37 (hg19) VCF-style: chr10-88659594-G-C.
Other names: short protein forms R126P.
Identifiers: ClinVar variation 529948 (VCV000529948.12), dbSNP rs864622549, ClinGen allele CA377449482.
Genomic context (GRCh38, chr10:86,899,837, plus strand): 5'-CATTACTCTTCTTTTAGGATTCTCCAAAAGCCCAGCTACGCCGGACAATAGAATGTTGTC[G>C]GACCAATTTATGTAACCAGTATTTGCAACCCACACTGCCCCCTGTTGTCATAGGTAGGTT-3'
Protein context (NP_004320.2, residues 116-136): AQLRRTIECC[Arg126Pro]TNLCNQYLQP